The following is an entry in ClinVar:

NM_024529.5(CDC73):c.238-5T>C

Gene: CDC73 (cell division cycle 73; plus strand). Cytogenetic location: 1q31.2.
Variant type: single nucleotide variant.
Coding change: c.238-5T>C on transcript NM_024529.5 (MANE Select); 5 bases into the intron before coding-DNA position 238, T replaced by C.
Molecular consequence: intron variant.
Genome position (GRCh38, 1-based): chr1:193,130,169, T>C. VCF-style: chr1-193130169-T-C. GRCh37 (hg19) VCF-style: chr1-193099299-T-C.
Other names: c.238-5T>C (NM_024529.4).
Identifiers: ClinVar variation 1668890 (VCV001668890.9), dbSNP rs2103117757, ClinGen allele CA2573131350.
Genomic context (GRCh38, chr1:193,130,169, plus strand): 5'-TAATATTTATTAAGTTGTGTATCATTGTTATTCATTTCATATCTCATTTAAAATTTTGGT[T>C]TTAGACTGAAAATATTCCTGTGGTTAGAAGACCTGATCGAAAAGATCTACTTGGATATCT-3'

ClinVar aggregate classification (germline): Conflicting classifications of pathogenicity. Review status: criteria provided, conflicting classifications (1 of 4 stars). 2 submissions from 2 submitters: Uncertain significance (1); Likely benign (1). Last evaluated 2025-02-07.

Conditions:
Hereditary cancer-predisposing syndrome. Also called: Hereditary neoplastic syndrome; Neoplastic Syndromes, Hereditary; Tumor predisposition; Hereditary Cancer Syndrome. Identifiers: Orphanet 140162, MedGen C0027672, MeSH D009386, MONDO:0015356.
Parathyroid carcinoma (PRTC). Also called: Parathyroid gland carcinoma; CDC73-Related Parathyroid Carcinoma. Identifiers: Orphanet 143, MedGen C0687150, MONDO:0012004, OMIM 608266, HP:0006780.

Submissions (2):

Ambry Genetics
Classification: Uncertain significance for Hereditary cancer-predisposing syndrome. Last evaluated: 2025-02-07. Review status: criteria provided, single submitter. Criteria: Ambry Variant Classification Scheme 2023. Collection method: clinical testing. Allele origin: germline.
Comment: The c.238-5T>C intronic variant results from a T to C substitution 5 nucleotides upstream from coding exon 3 in the CDC73 gene. This nucleotide position is well conserved in available vertebrate species. In silico splice site analysis predicts that this alteration will not have any significant effect on splicing. Based on the available evidence, the clinical significance of this variant remains unclear.

Labcorp Genetics (formerly Invitae), Labcorp
Classification: Likely benign for Parathyroid carcinoma. Last evaluated: 2021-06-19. Review status: criteria provided, single submitter. Criteria: Invitae Variant Classification Sherloc (09022015). Collection method: clinical testing. Allele origin: germline.